The following is an entry in ClinVar:

NM_004999.4(MYO6):c.1180G>A (p.Val394Ile)

Gene: MYO6 (myosin VI; plus strand). Cytogenetic location: 6q14.1.
Variant type: single nucleotide variant.
Coding change: c.1180G>A on transcript NM_004999.4 (MANE Select); coding-DNA position 1180, G replaced by A.
Protein change: p.Val394Ile; replaces valine 394 with isoleucine.
Molecular consequence: missense variant. On other transcripts: non-coding transcript variant (1).
Genome position (GRCh38, 1-based): chr6:75,855,240, G>A. VCF-style: chr6-75855240-G-A. GRCh37 (hg19) VCF-style: chr6-76564957-G-A.
Other names: c.1180G>A, p.Val394Ile (NM_001300899.2, NM_001368136.1, NM_001368137.1 and 2 more transcripts); c.1165G>A, p.Val389Ile (NM_001368138.1); short protein forms V394I, V389I.
Identifiers: ClinVar variation 357994 (VCV000357994.11), dbSNP rs373519764, ClinGen allele CA3897059.

ClinVar aggregate classification (germline): Conflicting classifications of pathogenicity. Review status: criteria provided, conflicting classifications (1 of 4 stars). 5 submissions from 4 submitters: Uncertain significance (4); Likely benign (1). Last evaluated 2026-01-02.

Conditions:
Autosomal recessive nonsyndromic hearing loss 37. Identifiers: Orphanet 90636, MedGen C1843028, MONDO:0011912, OMIM 607821.
Autosomal dominant nonsyndromic hearing loss 22. Also called: DFNA 22; Autosomal dominant nonsyndromic deafness 22. Identifiers: Orphanet 228012, MedGen C2931767, MONDO:0011660, OMIM 606346.

Allele frequency attached by ClinVar (database versions not stated): ExAC 0.00005; gnomAD exomes 0.00005 and 0.00008; gnomAD 0.00006 and 0.00007; TOPMed 0.00007; ESP Exome Variant Server 0.00008; 1000 Genomes Project 30x 0.00016; 1000 Genomes Project 0.00020.
gnomAD v4.1: 79 of 1,613,646 alleles (0.0049%); highest among the groups gnomAD compares: East Asian, 0.038%; no homozygotes.

Submissions (5):

Labcorp Genetics (formerly Invitae), Labcorp
Classification: Uncertain significance. Last evaluated: 2026-01-02. Review status: criteria provided, single submitter. Criteria: Invitae Variant Classification Sherloc (09022015). Collection method: clinical testing. Allele origin: germline.
Comment: This sequence change replaces valine, which is neutral and non-polar, with isoleucine, which is neutral and non-polar, at codon 394 of the MYO6 protein (p.Val394Ile). This variant is present in population databases (rs373519764, gnomAD 0.05%). This variant has not been reported in the literature in individuals affected with MYO6-related conditions. ClinVar contains an entry for this variant (Variation ID: 357994). Invitae Evidence Modeling of protein sequence and biophysical properties (such as structural, functional, and spatial information, amino acid conservation, physicochemical variation, residue mobility, and thermodynamic stability) indicates that this missense variant is not expected to disrupt MYO6 protein function with a negative predictive value of 80%. In summary, the available evidence is currently insufficient to determine the role of this variant in disease. Therefore, it has been classified as a Variant of Uncertain Significance.

GeneDx
Classification: Uncertain significance. Last evaluated: 2023-10-17. Review status: criteria provided, single submitter. Criteria: GeneDx Variant Classification Process June 2021. Collection method: clinical testing. Allele origin: germline. Affected: yes.
Comment: In silico analysis supports that this missense variant does not alter protein structure/function; Has not been previously published as pathogenic or benign to our knowledge

Blueprint Genetics
Classification: Uncertain significance. Last evaluated: 2019-06-03. Review status: criteria provided, single submitter. Criteria: ACMG Guidelines, 2015. Collection method: clinical testing. Allele origin: germline.

Illumina Laboratory Services, Illumina
Classification: Likely benign for Autosomal dominant nonsyndromic hearing loss 22. Last evaluated: 2018-01-12. Review status: criteria provided, single submitter. Criteria: ICSL Variant Classification Criteria 13 December 2019. Collection method: clinical testing. Allele origin: germline.
Comment: This variant was observed in the ICSL laboratory as part of a predisposition screen in an ostensibly healthy population. It had not been previously curated by ICSL or reported in the Human Gene Mutation Database (HGMD: prior to June 1st, 2018), and was therefore a candidate for classification through an automated scoring system. Utilizing variant allele frequency, disease prevalence and penetrance estimates, and inheritance mode, an automated score was calculated to assess if this variant is too frequent to cause the disease. Based on the score and internal cut-off values, a variant classified as likely benign is not then subjected to further curation. The score for this variant resulted in a classification of likely benign for this disease.

Illumina Laboratory Services, Illumina
Classification: Uncertain significance for Autosomal recessive nonsyndromic hearing loss 37. Last evaluated: 2018-01-12. Review status: criteria provided, single submitter. Criteria: ICSL Variant Classification Criteria 13 December 2019. Collection method: clinical testing. Allele origin: germline.